The following is an entry in ClinVar:

ClinVar aggregate classification (germline): Uncertain significance. Review status: criteria provided, multiple submitters, no conflicts (2 of 4 stars). 2 submissions from 2 submitters: Uncertain significance (2). Last evaluated 2024-06-28.

Allele frequency attached by ClinVar (database versions not stated): gnomAD exomes below 0.00001; ExAC 0.00002.

Submissions (2):

Ambry Genetics
Classification: Uncertain significance. Last evaluated: 2024-06-28. Review status: criteria provided, single submitter. Criteria: Ambry Variant Classification Scheme 2023. Collection method: clinical testing. Allele origin: germline.

Labcorp Genetics (formerly Invitae), Labcorp
Classification: Uncertain significance. Last evaluated: 2022-08-20. Review status: criteria provided, single submitter. Criteria: Invitae Variant Classification Sherloc (09022015). Collection method: clinical testing. Allele origin: germline.
Comment: In summary, the available evidence is currently insufficient to determine the role of this variant in disease. Therefore, it has been classified as a Variant of Uncertain Significance. Algorithms developed to predict the effect of missense changes on protein structure and function are either unavailable or do not agree on the potential impact of this missense change (SIFT: "Deleterious"; PolyPhen-2: "Probably Damaging"; Align-GVGD: "Class C0"). This variant has not been reported in the literature in individuals affected with IMPG1-related conditions. This variant is present in population databases (rs755746352, gnomAD 0.003%). This sequence change replaces isoleucine, which is neutral and non-polar, with threonine, which is neutral and polar, at codon 140 of the IMPG1 protein (p.Ile140Thr).

NM_001563.4(IMPG1):c.419T>C (p.Ile140Thr)

Gene: IMPG1 (interphotoreceptor matrix proteoglycan 1; minus strand). Cytogenetic location: 6q14.1.
Variant type: single nucleotide variant.
Coding change: c.419T>C on transcript NM_001563.4 (MANE Select); coding-DNA position 419, T replaced by C.
Protein change: p.Ile140Thr; replaces isoleucine 140 with threonine.
Molecular consequence: missense variant.
Genome position (GRCh38, 1-based): chr6:76,034,670, A>G on the plus strand (T>C on the coding strand, the complement: IMPG1 is on the minus strand). VCF-style: chr6-76034670-A-G. GRCh37 (hg19) VCF-style: chr6-76744387-A-G.
Other names: c.419T>C (NM_001563.2); c.185T>C, p.Ile62Thr (NM_001282368.2); short protein forms I140T, I62T.
Identifiers: ClinVar variation 1911754 (VCV001911754.6), dbSNP rs755746352, ClinGen allele CA3898539.